The following is an entry in ClinVar:

NM_031308.4(EPPK1):c.4614G>A (p.Leu1538=)

Gene: EPPK1 (epiplakin 1; minus strand). Cytogenetic location: 8q24.3.
Variant type: single nucleotide variant.
Coding change: c.4614G>A on transcript NM_031308.4 (MANE Select); coding-DNA position 4614, G replaced by A.
Protein change: p.Leu1538=; no amino-acid change (leucine 1538 retained).
Molecular consequence: synonymous variant.
Genome position (GRCh38, 1-based): chr8:143,868,640, C>T on the plus strand (G>A on the coding strand, the complement: EPPK1 is on the minus strand). VCF-style: chr8-143868640-C-T. GRCh37 (hg19) VCF-style: chr8-144942808-C-T.
Identifiers: ClinVar variation 3061564 (VCV003061564.2), dbSNP rs373681462, ClinGen allele CA187615837.

ClinVar aggregate classification (germline): Likely benign (0 of 4 stars; one submission).

Conditions:
EPPK1-related disorder. Also called: EPPK1-related condition.

Allele frequency attached by ClinVar (database versions not stated): gnomAD exomes 0.00001; ESP Exome Variant Server 0.00008.

Submission:

PreventionGenetics, part of Exact Sciences
Classification: Likely benign for EPPK1-related condition. Last evaluated: 2022-12-21. Review status: no assertion criteria provided. Collection method: clinical testing. Allele origin: germline.
Comment: This variant is classified as likely benign based on ACMG/AMP sequence variant interpretation guidelines (Richards et al. 2015 PMID: 25741868, with internal and published modifications).